The following is an entry in ClinVar:

ClinVar aggregate classification (germline): Uncertain significance. Review status: criteria provided, multiple submitters, no conflicts (2 of 4 stars). 4 submissions from 4 submitters: Uncertain significance (4). Last evaluated 2026-04-20.

Conditions:
Cardiovascular phenotype. Identifiers: MedGen CN230736.

Allele frequency attached by ClinVar (database versions not stated): gnomAD 0.00001; gnomAD exomes 0.00001 and 0.00004; TOPMed 0.00002.

Submissions (4):

Women's Health and Genetics/Laboratory Corporation of America, LabCorp
Classification: Uncertain significance. Last evaluated: 2026-04-20. Review status: criteria provided, single submitter. Criteria: LabCorp Variant Classification Summary - May 2015. Collection method: clinical testing. Allele origin: germline.
Comment: Variant summary: ZNF469 c.9209T>C (p.Leu3070Pro) results in a non-conservative amino acid change in the encoded protein sequence. Algorithms developed to predict the effect of missense changes on protein structure and function are either unavailable or do not agree on the potential impact of this missense change. The variant allele was found at a frequency of 6.6e-06 in 151560 control chromosomes. The available data on variant occurrences in the general population are insufficient to allow any conclusion about variant significance. To our knowledge, no occurrence of c.9209T>C in individuals affected with ZNF469-related conditions and no experimental evidence demonstrating its impact on protein function have been reported. ClinVar contains an entry for this variant (Variation ID: 1364849). Based on the evidence outlined above, the variant was classified as uncertain significance.

GeneDx
Classification: Uncertain significance. Last evaluated: 2024-04-10. Review status: criteria provided, single submitter. Criteria: GeneDx Variant Classification Process June 2021. Collection method: clinical testing. Allele origin: germline. Affected: yes.
Comment: Not observed at significant frequency in large population cohorts (gnomAD); In silico analysis supports that this missense variant has a deleterious effect on protein structure/function; Has not been previously published as pathogenic or benign to our knowledge

Ambry Genetics
Classification: Uncertain significance for Cardiovascular phenotype. Last evaluated: 2023-10-20. Review status: criteria provided, single submitter. Criteria: Ambry Variant Classification Scheme 2023. Collection method: clinical testing. Allele origin: germline.
Comment: The p.L3042P variant (also known as c.9125T>C), located in coding exon 2 of the ZNF469 gene, results from a T to C substitution at nucleotide position 9125. The leucine at codon 3042 is replaced by proline, an amino acid with similar properties. This amino acid position is conserved. In addition, this alteration is predicted to be tolerated by in silico analysis. Since supporting evidence is limited at this time, the clinical significance of this alteration remains unclear.

Labcorp Genetics (formerly Invitae), Labcorp
Classification: Uncertain significance. Last evaluated: 2022-08-31. Review status: criteria provided, single submitter. Criteria: Invitae Variant Classification Sherloc (09022015). Collection method: clinical testing. Allele origin: germline.
Comment: This sequence change replaces leucine, which is neutral and non-polar, with proline, which is neutral and non-polar, at codon 3042 of the ZNF469 protein (p.Leu3042Pro). The frequency data for this variant in the population databases is considered unreliable, as metrics indicate poor data quality at this position in the gnomAD database. This variant has not been reported in the literature in individuals affected with ZNF469-related conditions. ClinVar contains an entry for this variant (Variation ID: 1364849). Algorithms developed to predict the effect of missense changes on protein structure and function output the following: SIFT: "Tolerated"; PolyPhen-2: "Benign"; Align-GVGD: "Class C0". The proline amino acid residue is found in multiple mammalian species, which suggests that this missense change does not adversely affect protein function. In summary, the available evidence is currently insufficient to determine the role of this variant in disease. Therefore, it has been classified as a Variant of Uncertain Significance.

NM_001367624.2(ZNF469):c.9209T>C (p.Leu3070Pro)

Gene: ZNF469 (zinc finger protein 469; plus strand). Cytogenetic location: 16q24.2.
Variant type: single nucleotide variant.
Coding change: c.9209T>C on transcript NM_001367624.2 (MANE Select); coding-DNA position 9209, T replaced by C.
Protein change: p.Leu3070Pro; replaces leucine 3070 with proline.
Molecular consequence: missense variant.
Genome position (GRCh38, 1-based): chr16:88,436,679, T>C. VCF-style: chr16-88436679-T-C. GRCh37 (hg19) VCF-style: chr16-88503087-T-C.
Other names: NM_001127464.1:c.9125T>C; short protein forms L3070P.
Identifiers: ClinVar variation 1364849 (VCV001364849.9), dbSNP rs902722692, ClinGen allele CA286385165.